The following is an entry in ClinVar:

NM_000465.4(BARD1):c.378T>C (p.Asp126=)

Gene: BARD1 (BRCA1 associated RING domain 1; minus strand). Cytogenetic location: 2q35.
Variant type: single nucleotide variant.
Coding change: c.378T>C on transcript NM_000465.4 (MANE Select); coding-DNA position 378, T replaced by C.
Protein change: p.Asp126=; no amino-acid change (aspartic acid 126 retained).
Molecular consequence: synonymous variant. On other transcripts: non-coding transcript variant (2), intron variant (3).
Genome position (GRCh38, 1-based): chr2:214,781,496, A>G on the plus strand (T>C on the coding strand, the complement: BARD1 is on the minus strand). VCF-style: chr2-214781496-A-G. GRCh37 (hg19) VCF-style: chr2-215646220-A-G.
Other names: c.321T>C, p.Asp107= (NM_001282543.2); c.158+27916T>C (NM_001282548.2); c.215+15565T>C (NM_001282545.2); c.364+10801T>C (NM_001282549.2); c.378T>C (NM_000465.3).
Identifiers: ClinVar variation 481395 (VCV000481395.16), dbSNP rs1435093585, ClinGen allele CA431136953.

ClinVar aggregate classification (germline): Benign/Likely benign. Review status: criteria provided, multiple submitters, no conflicts (2 of 4 stars). 4 submissions from 4 submitters: Benign (1); Likely benign (3). Last evaluated 2024-07-19.

Conditions:
Hereditary cancer-predisposing syndrome. Also called: Hereditary Cancer Syndrome; Neoplastic Syndromes, Hereditary; Tumor predisposition; Hereditary neoplastic syndrome. Identifiers: Orphanet 140162, MedGen C0027672, MeSH D009386, MONDO:0015356.
Familial cancer of breast. Also called: BREAST CANCER, FAMILIAL; Hereditary breast cancer; hereditary breast carcinoma. Identifiers: Orphanet 227535, MedGen C0346153, MONDO:0016419, OMIM 114480. Disease mechanism: loss of function.

Allele frequency attached by ClinVar (database versions not stated): gnomAD exomes below 0.00001; TOPMed below 0.00001.
gnomAD v4.1: 1 of 1,610,668 alleles (0.000062%); highest among the groups gnomAD compares: Non-Finnish European, 0.000085%; no homozygotes.

Submissions (4):

Myriad Genetics, Inc.
Classification: Benign for Familial cancer of breast. Last evaluated: 2024-07-19. Review status: criteria provided, single submitter. Criteria: Myriad Autosomal Dominant, Autosomal Recessive and X-Linked Classification Criteria (2023). Collection method: clinical testing. Allele origin: unknown.
Comment: This variant is considered benign. This variant is a silent/synonymous amino acid change and it is not expected to impact splicing.

Labcorp Genetics (formerly Invitae), Labcorp
Classification: Likely benign for Familial cancer of breast. Last evaluated: 2022-01-26. Review status: criteria provided, single submitter. Criteria: Invitae Variant Classification Sherloc (09022015). Collection method: clinical testing. Allele origin: germline.

Department of Pathology and Laboratory Medicine, Sinai Health System
Classification: Likely benign for Familial cancer of breast. Last evaluated: 2021-03-30. Review status: criteria provided, single submitter. Criteria: ACMG Guidelines, 2015. Collection method: clinical testing. Allele origin: germline. Affected: yes.

Ambry Genetics
Classification: Likely benign for Hereditary cancer-predisposing syndrome. Last evaluated: 2016-10-10. Review status: criteria provided, single submitter. Criteria: Ambry Variant Classification Scheme 2023. Collection method: clinical testing. Allele origin: germline.